The following is an entry in ClinVar:

NM_005068.3(SIM1):c.1266C>A (p.Pro422=)

Genes: SIM1 (SIM bHLH transcription factor 1; minus strand), SIM1-AS1 (SIM1 antisense RNA 1; plus strand). Cytogenetic location: 6q16.3.
Variant type: single nucleotide variant.
Coding change: c.1266C>A on transcript NM_005068.3 (MANE Select); coding-DNA position 1266, C replaced by A.
Protein change: p.Pro422=; no amino-acid change (proline 422 retained).
Molecular consequence: synonymous variant. On other transcripts: non-coding transcript variant (1).
Genome position (GRCh38, 1-based): chr6:100,393,791, G>T on the plus strand (C>A on the coding strand, the complement: SIM1 is on the minus strand). VCF-style: chr6-100393791-G-T. GRCh37 (hg19) VCF-style: chr6-100841667-G-T.
Other names: c.1266C>A, p.Pro422= (NM_001374769.1).
Identifiers: ClinVar variation 4979420 (VCV004979420.1).
Genomic context (GRCh38, chr6:100,393,791, plus strand): 5'-GCGGTCCGAAAACTGTCTGTAGGCGCACGATGCGTCGTGCTGGGAGCCAGGCCTATCGGC[G>T]GGGTCCAGAAGCTGCGGAGAGGCCGTGTCGGTCAAGGGACTTCCGCCCCACTGGCTGTCA-3'
Protein context (NP_005059.2, residues 412-432): TDTASPQLLD[Pro422=]ADRPGSQHDA

ClinVar aggregate classification (germline): Likely benign (1 of 4 stars; one submission).

Conditions:
SIM1-related disorder. Also called: SIM1-related condition; SIM1-related disorders.

gnomAD v4.1: 24 of 1,614,042 alleles (0.0015%); highest among the groups gnomAD compares: East Asian, 0.02%; no homozygotes.

Submission:

PreventionGenetics, part of Exact Sciences
Classification: Likely benign for SIM1-related condition. Last evaluated: 2026-03-01. Review status: criteria provided, single submitter. Criteria: ACMG Guidelines, 2015. Collection method: clinical testing. Allele origin: germline.
Comment: This variant is classified as likely benign based on ACMG/AMP sequence variant interpretation guidelines (Richards et al. 2015 PMID: 25741868, with internal and published modifications).